The following is an entry in ClinVar:

NC_000015.10:g.84817120C>G

Gene: ALPK3 (alpha kinase 3; plus strand). Cytogenetic location: 15q25.3.
Variant type: single nucleotide variant.
Genome position: GRCh38 VCF-style: chr15-84817120-C-G. GRCh37 (hg19) VCF-style: chr15-85360351-C-G.
Identifiers: ClinVar variation 3680096 (VCV003680096.2).

ClinVar aggregate classification (germline): Uncertain significance (1 of 4 stars; one submission).

Submission:

Labcorp Genetics (formerly Invitae), Labcorp
Classification: Uncertain significance. Last evaluated: 2024-08-15. Review status: criteria provided, single submitter. Criteria: Invitae Variant Classification Sherloc (09022015). Collection method: clinical testing. Allele origin: germline.
Comment: This sequence change replaces arginine, which is basic and polar, with glycine, which is neutral and non-polar, at codon 92 of the ALPK3 protein (p.Arg92Gly). This variant is not present in population databases (gnomAD no frequency). This variant has not been reported in the literature in individuals affected with ALPK3-related conditions. An algorithm developed to predict the effect of missense changes on protein structure and function outputs the following: PolyPhen-2: "Benign". The glycine amino acid residue is found in multiple mammalian species, which suggests that this missense change does not adversely affect protein function. In summary, the available evidence is currently insufficient to determine the role of this variant in disease. Therefore, it has been classified as a Variant of Uncertain Significance.